The following is an entry in ClinVar:

ClinVar aggregate classification (germline): Uncertain significance. Review status: criteria provided, multiple submitters, no conflicts (2 of 4 stars). 3 submissions from 3 submitters: Uncertain significance (3). Last evaluated 2025-04-13.

Conditions:
Hereditary cancer-predisposing syndrome. Also called: Neoplastic Syndromes, Hereditary; Hereditary Cancer Syndrome; Hereditary neoplastic syndrome; Tumor predisposition. Identifiers: Orphanet 140162, MedGen C0027672, MeSH D009386, MONDO:0015356.
Gastrointestinal stromal tumor. Also called: Gastrointestinal stroma tumor; Gastrointestinal stromal tumor, somatic. Identifiers: Orphanet 44890, MedGen C0238198, MeSH D046152, MONDO:0011719, OMIM 606764, HP:0100723.

Allele frequency attached by ClinVar (database versions not stated): gnomAD exomes below 0.00001; TOPMed below 0.00001; gnomAD 0.00001.
gnomAD v4.1: 4 of 1,459,866 alleles (0.00027%); highest among the groups gnomAD compares: South Asian, 0.0011%; no homozygotes.

Submissions (3):

Labcorp Genetics (formerly Invitae), Labcorp
Classification: Uncertain significance for Gastrointestinal stromal tumor. Last evaluated: 2025-04-13. Review status: criteria provided, single submitter. Criteria: Invitae Variant Classification Sherloc (09022015). Collection method: clinical testing. Allele origin: germline.
Comment: This sequence change replaces valine, which is neutral and non-polar, with methionine, which is neutral and non-polar, at codon 859 of the PDGFRA protein (p.Val859Met). This variant is present in population databases (no rsID available, gnomAD 0.003%). This variant has not been reported in the literature in individuals affected with PDGFRA-related conditions. ClinVar contains an entry for this variant (Variation ID: 407442). Invitae Evidence Modeling of protein sequence and biophysical properties (such as structural, functional, and spatial information, amino acid conservation, physicochemical variation, residue mobility, and thermodynamic stability) indicates that this missense variant is not expected to disrupt PDGFRA protein function with a negative predictive value of 80%. In summary, the available evidence is currently insufficient to determine the role of this variant in disease. Therefore, it has been classified as a Variant of Uncertain Significance.

Ambry Genetics
Classification: Uncertain significance for Hereditary cancer-predisposing syndrome. Last evaluated: 2025-01-03. Review status: criteria provided, single submitter. Criteria: Ambry Variant Classification Scheme 2023. Collection method: clinical testing. Allele origin: germline.
Comment: The p.V859M variant (also known as c.2575G>A), located in coding exon 18 of the PDGFRA gene, results from a G to A substitution at nucleotide position 2575. The valine at codon 859 is replaced by methionine, an amino acid with highly similar properties. This amino acid position is highly conserved in available vertebrate species. In addition, this alteration is predicted to be deleterious by in silico analysis. Based on the available evidence, the clinical significance of this variant remains unclear.

GeneDx
Classification: Uncertain significance. Last evaluated: 2020-07-30. Review status: criteria provided, single submitter. Criteria: GeneDx Variant Classification Process June 2021. Collection method: clinical testing. Allele origin: germline. Affected: yes.
Comment: Not observed at a significant frequency in large population cohorts (Lek 2016); In silico analysis supports that this missense variant does not alter protein structure/function; Has not been previously published as pathogenic or benign to our knowledge; This variant is associated with the following publications: (PMID: 29530932)

NM_006206.6(PDGFRA):c.2575G>A (p.Val859Met)

Gene: PDGFRA (platelet derived growth factor receptor alpha; plus strand). Cytogenetic location: 4q12.
Variant type: single nucleotide variant.
Coding change: c.2575G>A on transcript NM_006206.6 (MANE Select); coding-DNA position 2575, G replaced by A.
Protein change: p.Val859Met; replaces valine 859 with methionine.
Molecular consequence: missense variant.
Genome position (GRCh38, 1-based): chr4:54,287,442, G>A. VCF-style: chr4-54287442-G-A. GRCh37 (hg19) VCF-style: chr4-55153609-G-A.
Other names: c.2650G>A, p.Val884Met (NM_001347828.2); c.2575G>A, p.Val859Met (NM_001347829.2); c.2614G>A, p.Val872Met (NM_001347830.2); short protein forms V859M, V872M, V884M.
Identifiers: ClinVar variation 407442 (VCV000407442.12), dbSNP rs1060501520, ClinGen allele CA16611651.